The following is an entry in ClinVar:

ClinVar aggregate classification (germline): Uncertain significance (1 of 4 stars; one submission).

Conditions:
Welander distal myopathy (WDM). Also called: Welander distal myopathy, Swedish type; Distal myopathy, Swedish type; Gower's muscular dystrophy; MUSCULAR DYSTROPHY, DISTAL, LATE-ONSET, AUTOSOMAL DOMINANT. Identifiers: Orphanet 603, MedGen C0221054, MONDO:0011466, OMIM 604454.

Submission:

Labcorp Genetics (formerly Invitae), Labcorp
Classification: Uncertain significance for Welander distal myopathy. Last evaluated: 2016-09-04. Review status: criteria provided, single submitter. Criteria: Invitae Variant Classification Sherloc (09022015). Collection method: clinical testing. Allele origin: germline.
Comment: The current clinical and genetic evidence is not sufficient to establish whether loss-of-function variants in TIA1 cause disease. Therefore, this variant has been classified as a Variant of Uncertain Significance. This variant is not present in population databases (ExAC no frequency) and has not been reported in the literature in individuals with a TIA1-related disease. This sequence change deletes 1 nucleotides from exon 13 of the TIA1 mRNA (c.1156delC), causing a frameshift at codon 386. This creates a translational stop signal in the 3' UTR of the TIA1 mRNA (p.Gln386Serfs*3). While this is not anticipated to result in nonsense mediated decay, it is expected to result in deletion of the last amino acid and replacing it with 2 incorrect amino acids and disrupted protein product.

NM_022173.4(TIA1):c.1156del (p.Gln386fs)

Gene: TIA1 (TIA1 cytotoxic granule associated RNA binding protein; minus strand). Cytogenetic location: 2p13.3.
Variant type: Deletion.
Coding change: c.1156del on transcript NM_022173.4 (MANE Select); coding-DNA position 1156, one base deleted (C; older notation c.1156delC).
Protein change: p.Gln386fs; shifts the reading frame from glutamine 386.
Molecular consequence: frameshift variant. On other transcripts: non-coding transcript variant (17).
Genome position (GRCh38, 1-based): chr2:70,212,724, G deleted on the plus strand (C on the coding strand, the reverse complement: TIA1 is on the minus strand); the first of 3 consecutive G bases (chr2:70,212,724-70,212,726); deleting any one gives the same sequence. VCF-style (leftmost placement, unchanged base first): chr2-70212723-TG-T. GRCh37 (hg19) VCF-style: chr2-70439855-TG-T.
Other names: c.1153del, p.Gln385fs (NM_001351508.2); c.1129del, p.Gln377fs (NM_001351509.2); c.1120del, p.Gln374fs (NM_001351510.2); c.1045del, p.Gln349fs (NM_001351511.1); c.1018del, p.Gln340fs (NM_001351512.1); c.1012del, p.Gln338fs (NM_001351513.1); c.928del, p.Gln310fs (NM_001351514.2); c.853del, p.Gln285fs (NM_001351515.2); and 3 more; short protein forms Q246fs, Q375fs, Q377fs, Q385fs, Q245fs, Q285fs, Q340fs, Q374fs.
Identifiers: ClinVar variation 458837 (VCV000458837.6), dbSNP rs1553422555, ClinGen allele CA658657037.
Genomic context (GRCh38, chr2:70,212,723, plus strand): 5'-CTTTACTACACTCCCTGTAGCCTCAAGCCACTGGCTTTAGATTCTGGAGTCCTTATTCAC[TG>T]GGTTTCATACCCTGCCACTCGATACCCAGAAGGCTGATTGGGCAACATGCTGCCATTTTG-3'